The following is an entry in ClinVar:

ClinVar aggregate classification (germline): Uncertain significance (1 of 4 stars; one submission).

Allele frequency attached by ClinVar (database versions not stated): ExAC 0.00004.

Submission:

Labcorp Genetics (formerly Invitae), Labcorp
Classification: Uncertain significance. Last evaluated: 2023-05-30. Review status: criteria provided, single submitter. Criteria: Invitae Variant Classification Sherloc (09022015). Collection method: clinical testing. Allele origin: germline.
Comment: Advanced modeling of protein sequence and biophysical properties (such as structural, functional, and spatial information, amino acid conservation, physicochemical variation, residue mobility, and thermodynamic stability) performed at Invitae indicates that this missense variant is not expected to disrupt ACAN protein function. In summary, the available evidence is currently insufficient to determine the role of this variant in disease. Therefore, it has been classified as a Variant of Uncertain Significance. This variant has not been reported in the literature in individuals affected with ACAN-related conditions. The frequency data for this variant in the population databases is considered unreliable, as metrics indicate poor data quality at this position in the gnomAD database. This sequence change replaces threonine, which is neutral and polar, with methionine, which is neutral and non-polar, at codon 503 of the ACAN protein (p.Thr503Met).

NM_001369268.1(ACAN):c.1508C>T (p.Thr503Met)

Gene: ACAN (aggrecan; plus strand). Cytogenetic location: 15q26.1.
Variant type: single nucleotide variant.
Coding change: c.1508C>T on transcript NM_001369268.1 (MANE Select); coding-DNA position 1508, C replaced by T.
Protein change: p.Thr503Met; replaces threonine 503 with methionine.
Molecular consequence: missense variant.
Genome position (GRCh38, 1-based): chr15:88,847,321, C>T. VCF-style: chr15-88847321-C-T. GRCh37 (hg19) VCF-style: chr15-89390552-C-T.
Other names: c.1508C>T, p.Thr503Met (NM_001411096.1, NM_001411097.1, NM_013227.4 and 1 more transcripts); short protein forms T503M.
Identifiers: ClinVar variation 2801394 (VCV002801394.3), dbSNP rs779937883, ClinGen allele CA7719572.